The following is an entry in ClinVar:

NM_006516.4(SLC2A1):c.867T>A (p.Ala289=)

Gene: SLC2A1 (solute carrier family 2 member 1; minus strand). Cytogenetic location: 1p34.2.
Variant type: single nucleotide variant.
Coding change: c.867T>A on transcript NM_006516.4 (MANE Select); coding-DNA position 867, T replaced by A.
Protein change: p.Ala289=; no amino-acid change (alanine 289 retained).
Molecular consequence: synonymous variant.
Genome position (GRCh38, 1-based): chr1:42,929,593, A>T on the plus strand (T>A on the coding strand, the complement: SLC2A1 is on the minus strand). VCF-style: chr1-42929593-A-T. GRCh37 (hg19) VCF-style: chr1-43395264-A-T.
Identifiers: ClinVar variation 1422836 (VCV001422836.6), dbSNP rs2124448800, ClinGen allele CA417409248.
Genomic context (GRCh38, chr1:42,929,593, plus strand): 5'-CATGCACACTTGACCAGAGGGCTTGGCTGGGGCACAGGAAGGGTGGGTGGGGGCACTCAC[A>T]GCGTTGATGCCAGACAGCTGCTGGGACAGCTGCAGCACCACAGCGATGAGGATGGGCTGG-3'
Protein context (NP_006507.2, residues 279-299): QLSQQLSGIN[Ala289=]VFYYSTSIFE

ClinVar aggregate classification (germline): Uncertain significance (1 of 4 stars; one submission).

Conditions:
GLUT1 deficiency syndrome 1, autosomal recessive. Identifiers: MedGen C3149117.

Submission:

Labcorp Genetics (formerly Invitae), Labcorp
Classification: Uncertain significance for GLUT1 deficiency syndrome 1, autosomal recessive. Last evaluated: 2026-01-12. Review status: criteria provided, single submitter. Criteria: Invitae Variant Classification Sherloc (09022015). Collection method: clinical testing. Allele origin: germline.
Comment: This sequence change affects codon 289 of the SLC2A1 mRNA. It is a 'silent' change, meaning that it does not change the encoded amino acid sequence of the SLC2A1 protein. It affects a nucleotide within the consensus splice site. This variant is not present in population databases (gnomAD no frequency). This variant has not been reported in the literature in individuals affected with SLC2A1-related conditions. ClinVar contains an entry for this variant (Variation ID: 1422836). Algorithms developed to predict the effect of sequence changes on RNA splicing suggest that this variant is not likely to affect RNA splicing. In summary, the available evidence is currently insufficient to determine the role of this variant in disease. Therefore, it has been classified as a Variant of Uncertain Significance.